The following is an entry in ClinVar:

NM_001330311.2(DVL1):c.1103C>T (p.Ala368Val)

Gene: DVL1 (dishevelled segment polarity protein 1; minus strand). Cytogenetic location: 1p36.33.
Variant type: single nucleotide variant.
Coding change: c.1103C>T on transcript NM_001330311.2 (MANE Select); coding-DNA position 1103, C replaced by T.
Protein change: p.Ala368Val; replaces alanine 368 with valine.
Molecular consequence: missense variant.
Genome position (GRCh38, 1-based): chr1:1,339,391, G>A on the plus strand (C>T on the coding strand, the complement: DVL1 is on the minus strand). VCF-style: chr1-1339391-G-A. GRCh37 (hg19) VCF-style: chr1-1274771-G-A.
Other names: c.1103C>T, p.Ala368Val (NM_004421.3); short protein forms A368V.
Identifiers: ClinVar variation 2529245 (VCV002529245.6), dbSNP rs532727906, ClinGen allele CA16755033.

ClinVar aggregate classification (germline): Uncertain significance. Review status: criteria provided, multiple submitters, no conflicts (2 of 4 stars). 2 submissions from 2 submitters: Uncertain significance (2). Last evaluated 2025-08-01.

Conditions:
Inborn genetic diseases. Identifiers: MedGen C0950123, MeSH D030342.

Allele frequency attached by ClinVar (database versions not stated): TOPMed 0.00006; 1000 Genomes Project 30x 0.00031.
gnomAD v4.1: 71 of 1,549,130 alleles (0.0046%); highest among the groups gnomAD compares: African/African-American, 0.0096%; no homozygotes.

Submissions (2):

Ambry Genetics
Classification: Uncertain significance for Inborn genetic diseases. Last evaluated: 2025-08-01. Review status: criteria provided, single submitter. Criteria: Ambry Variant Classification Scheme 2023. Collection method: clinical testing. Allele origin: germline.

Labcorp Genetics (formerly Invitae), Labcorp
Classification: Uncertain significance. Last evaluated: 2025-06-02. Review status: criteria provided, single submitter. Criteria: Invitae Variant Classification Sherloc (09022015). Collection method: clinical testing. Allele origin: germline.
Comment: This sequence change replaces alanine, which is neutral and non-polar, with valine, which is neutral and non-polar, at codon 368 of the DVL1 protein (p.Ala368Val). This variant is present in population databases (no rsID available, gnomAD 0.008%). This variant has not been reported in the literature in individuals affected with DVL1-related conditions. ClinVar contains an entry for this variant (Variation ID: 2529245). Invitae Evidence Modeling of protein sequence and biophysical properties (such as structural, functional, and spatial information, amino acid conservation, physicochemical variation, residue mobility, and thermodynamic stability) indicates that this missense variant is not expected to disrupt DVL1 protein function with a negative predictive value of 80%. In summary, the available evidence is currently insufficient to determine the role of this variant in disease. Therefore, it has been classified as a Variant of Uncertain Significance.